The following is an entry in ClinVar:

ClinVar aggregate classification (germline): Pathogenic (1 of 4 stars; one submission).

Conditions:
Developmental and epileptic encephalopathy, 9 (DEE9). Also called: Early infantile epileptic encephalopathy 9; EPILEPSY, FEMALE-RESTRICTED, WITH MENTAL RETARDATION; JUBERG-HELLMAN SYNDROME; PCDH19-Related X-Linked Female-Limited Epilepsy with Mental Retardation. Identifiers: Orphanet 101039, Orphanet 2076, MedGen C1848137, MONDO:0010246, OMIM 300088. Disease mechanism: loss of function.

Submission:

Labcorp Genetics (formerly Invitae), Labcorp
Classification: Pathogenic for Developmental and epileptic encephalopathy, 9. Last evaluated: 2024-06-03. Review status: criteria provided, single submitter. Criteria: Invitae Variant Classification Sherloc (09022015). Collection method: clinical testing. Allele origin: germline.
Comment: This sequence change creates a premature translational stop signal (p.Gln838Argfs*26) in the PCDH19 gene. It is expected to result in an absent or disrupted protein product. Loss-of-function variants in PCDH19 are known to be pathogenic (PMID: 21053371). This variant is not present in population databases (gnomAD no frequency). This variant has not been reported in the literature in individuals affected with PCDH19-related conditions. ClinVar contains an entry for this variant (Variation ID: 2002870). For these reasons, this variant has been classified as Pathogenic.

Literature cited by the submitters: PubMed 21053371.

NM_001184880.2(PCDH19):c.2512del (p.Gln838fs)

Genes: PCDH19 (protocadherin 19; minus strand), LOC125467768 (CDK7 strongly-dependent group 2 enhancer GRCh37_chrX:99657381-99658580; plus strand). Cytogenetic location: Xq22.1.
Variant type: Deletion.
Coding change: c.2512del on transcript NM_001184880.2 (MANE Select); coding-DNA position 2512, one base deleted (C; older notation c.2512delC).
Protein change: p.Gln838fs; shifts the reading frame from glutamine 838.
Molecular consequence: frameshift variant.
Genome position (GRCh38, 1-based): chrX:100,402,628, G deleted on the plus strand (C on the coding strand, the reverse complement: PCDH19 is on the minus strand); the first of 2 consecutive G bases (chrX:100,402,628-100,402,629); deleting either gives the same sequence. VCF-style (leftmost placement, unchanged base first): chrX-100402627-TG-T. GRCh37 (hg19) VCF-style: chrX-99657625-TG-T.
Other names: c.2371del, p.Gln791fs (NM_001105243.2, NM_020766.3); short protein forms Q791fs, Q838fs.
Identifiers: ClinVar variation 2002870 (VCV002002870.4), dbSNP rs2520955846, ClinGen allele CA2580100033.